The following is an entry in ClinVar:

ClinVar aggregate classification (germline): Likely pathogenic (1 of 4 stars; one submission).

Submission:

GeneDx
Classification: Likely pathogenic. Last evaluated: 2015-11-25. Review status: criteria provided, single submitter. Criteria: GeneDx Variant Classification (06012015). Collection method: clinical testing. Allele origin: germline. Affected: yes.
Comment: The c.52+4_52+5delAG variant has not been published as a pathogenic variant, nor has it been reported as a benign variant to our knowledge. It was not observed in approximately 6,500 individuals of European and African American ancestry in the NHLBI Exome Sequencing Project, indicating it is not a common benign variant in these populations. In silico analysis predicts this variant may weaken or destroy the natural splice donor site in intron 1, leading to abnormal splicing. However, in the absence of RNA/functional studies the actual effect of this variant is unknown. This variant occurs at a position that is conserved across species. Therefore, this variant is likely pathogenic; however, the possibility that it is benign cannot be excluded.

NM_024577.4(SH3TC2):c.52+4_52+5del

Gene: SH3TC2 (SH3 domain and tetratricopeptide repeats 2; minus strand). Cytogenetic location: 5q32.
Variant type: Deletion.
Coding change: c.52+4_52+5del on transcript NM_024577.4 (MANE Select); bases 4 to 5 of the intron after coding-DNA position 52, 2 bases deleted (AG; older notation c.52+4_52+5delAG).
Molecular consequence: intron variant.
Genome position (GRCh38, 1-based): chr5:149,062,966-149,062,967, CT deleted on the plus strand (AG on the coding strand, the reverse complement: SH3TC2 is on the minus strand); deleting any 2 consecutive bases within chr5:149,062,966-149,062,968 gives the same sequence; the c. name uses the placement nearest the transcript's 3' end. VCF-style (leftmost placement, unchanged base first): chr5-149062965-ACT-A. GRCh37 (hg19) VCF-style: chr5-148442528-ACT-A.
Other names: c.52+4_52+5delAG (NM_024577.3).
Identifiers: ClinVar variation 246034 (VCV000246034.2), dbSNP rs879254057, ClinGen allele CA10584271.
Genomic context (GRCh38, chr5:149,062,965, plus strand): 5'-CCTGAGCCTCTACTGGACCATCCACTTTGGCCAAGCCACAGGCCAAGGGCCCCCTGGGAA[ACT>A]CACCTGGGCCCCGGGTCAGACTCCGCTCCCTGGGGATGCAGAAGCAGCCACCCATGTGTG-3'